The following is an entry in ClinVar:

NM_001113378.2(FANCI):c.328A>G (p.Asn110Asp)

Gene: FANCI (FA complementation group I; plus strand). Cytogenetic location: 15q26.1.
Variant type: single nucleotide variant.
Coding change: c.328A>G on transcript NM_001113378.2 (MANE Select); coding-DNA position 328, A replaced by G.
Protein change: p.Asn110Asp; replaces asparagine 110 with aspartic acid.
Molecular consequence: missense variant.
Genome position (GRCh38, 1-based): chr15:89,261,624, A>G. VCF-style: chr15-89261624-A-G. GRCh37 (hg19) VCF-style: chr15-89804855-A-G.
Other names: c.49A>G, p.Asn17Asp (NM_001376910.1); c.328A>G, p.Asn110Asp (NM_001376911.1, NM_018193.3); short protein forms N110D, N17D.
Identifiers: ClinVar variation 450812 (VCV000450812.3), dbSNP rs1555442689, ClinGen allele CA393738236.

ClinVar aggregate classification (germline): Uncertain significance. Review status: criteria provided, multiple submitters, no conflicts (2 of 4 stars). 2 submissions from 2 submitters: Uncertain significance (2). Last evaluated 2021-09-22.

Conditions:
Fanconi anemia complementation group I (FANCI). Also called: FANCI-Related Fanconi Anemia. Identifiers: Orphanet 84, MedGen C1836861, MONDO:0012186, OMIM 609053.

Submissions (2):

Fulgent Genetics
Classification: Uncertain significance for Fanconi anemia complementation group I. Last evaluated: 2021-09-22. Review status: criteria provided, single submitter. Criteria: ACMG Guidelines, 2015. Collection method: clinical testing. Allele origin: unknown.

GeneDx
Classification: Uncertain significance. Last evaluated: 2017-07-31. Review status: criteria provided, single submitter. Criteria: GeneDx Variant Classification (06012015). Collection method: clinical testing. Allele origin: germline. Affected: yes.
Comment: The N110D variant in the FANCI gene has not been reported previously as a pathogenic variant, nor as a benign variant, to our knowledge. This variant is not observed in large population cohorts (Lek et al., 2016; 1000 Genomes Consortium et al., 2015; Exome Variant Server). The N110D variant is a semi-conservative amino acid substitution, which may impact secondary protein structure as these residues differ in some properties. This substitution occurs at a position that is not conserved. In silico analysis is inconsistent in its predictions as to whether or not the variant is damaging to the protein structure/function. Based on currently available evidence, we interpret N110D as a variant of uncertain significance.